The following is an entry in ClinVar:

ClinVar aggregate classification (germline): Uncertain significance (1 of 4 stars; one submission).

Conditions:
Joubert syndrome 27 (JBTS27). Identifiers: MedGen C4310706, MONDO:0014927, OMIM 617120.

gnomAD v4.1: 1 of 1,610,664 alleles (0.000062%); no homozygotes.

Submission:

Baylor Genetics
Classification: Uncertain significance for Joubert syndrome 27. Last evaluated: 2018-05-22. Review status: criteria provided, single submitter. Criteria: ACMG Guidelines, 2015. Collection method: clinical testing. Allele origin: maternal. Affected: yes.
Comment: This variant was determined to be of uncertain significance according to ACMG Guidelines, 2015 [PMID:25741868].

NM_015681.6(B9D1):c.472+107G>A

Gene: B9D1 (B9 domain containing 1; minus strand). Cytogenetic location: 17p11.2.
Variant type: single nucleotide variant.
Coding change: c.472+107G>A on transcript NM_015681.6 (MANE Select); 107 bases into the intron after coding-DNA position 472, G replaced by A.
Molecular consequence: intron variant. On other transcripts: 3 prime UTR variant (1).
Genome position (GRCh38, 1-based): chr17:19,343,683, C>T on the plus strand (G>A on the coding strand, the complement: B9D1 is on the minus strand). VCF-style: chr17-19343683-C-T. GRCh37 (hg19) VCF-style: chr17-19246996-C-T.
Other names: c.*27G>A (NM_001321215.3); c.112+107G>A (NM_001368769.2); c.404+3586G>A (NM_001321219.2); c.472+107G>A (NM_001321218.2, NM_001321217.2, NM_001321214.2 and 1 more transcripts).
Identifiers: ClinVar variation 1033788 (VCV001033788.1), dbSNP rs1908281984, ClinGen allele CA398693551.